The following is an entry in ClinVar:

ClinVar aggregate classification (germline): Pathogenic. Review status: criteria provided, multiple submitters, no conflicts (2 of 4 stars). 11 submissions from 11 submitters: Pathogenic (10). 1 of the submissions does not count toward it. Last evaluated 2025-12-02.

Conditions:
Ocular cystinosis. Also called: Non-Nephropathic Cystinosis; Non-Nephropathic (Ocular) Cystinosis. Identifiers: Orphanet 213, Orphanet 411641, MedGen C2931013, MONDO:0009064, OMIM 219750.
Juvenile nephropathic cystinosis. Also called: Intermediate Cystinosis; CYSTINOSIS, LATE-ONSET JUVENILE OR ADOLESCENT NEPHROPATHIC TYPE; Later-Onset (Juvenile) Cystinosis. Identifiers: Orphanet 213, Orphanet 411634, MedGen C0268626, MONDO:0009066, OMIM 219900.
Inborn genetic diseases. Identifiers: MedGen C0950123, MeSH D030342.
Nephropathic cystinosis (CTNS). Also called: CYSTINOSIN, DEFECT OF; LYSOSOMAL CYSTINE TRANSPORT PROTEIN, DEFECT OF; Abderhalden Lignac Kaufmann disease; Abderhalden-Kaufmann-Lignac syndrome. Identifiers: Orphanet 213, Orphanet 411629, MedGen C2931187, MONDO:0100151, OMIM 219800.
Cystinosis. Also called: Cystine diathesis; Cystine storage disease; Cystinoses. Identifiers: Orphanet 213, MedGen C4316899, MONDO:0016239.

Allele frequency attached by ClinVar (database versions not stated): gnomAD exomes below 0.00001; gnomAD 0.00001.
gnomAD v4.1: 5 of 1,612,912 alleles (0.00031%); highest among the groups gnomAD compares: Non-Finnish European, 0.00034%; no homozygotes.

Submissions (11):

Women's Health and Genetics/Laboratory Corporation of America, LabCorp
Classification: Pathogenic for Nephropathic cystinosis. Last evaluated: 2025-12-02. Review status: criteria provided, single submitter. Criteria: LabCorp Variant Classification Summary - May 2015. Collection method: clinical testing. Allele origin: germline.
Comment: Variant summary: CTNS c.681G>A (p.Glu227Glu) alters a conserved nucleotide located close to a canonical splice site and therefore could affect mRNA splicing, leading to a significantly altered protein sequence. Several computational tools predict a significant impact on normal splicing: Three predict the variant weakens a canonical 5' donor site. One predict the variant abolishes a canonical 5' splicing donor site. The variant was absent in 250778 control chromosomes. c.681G>A has been observed in multiple individuals affected with cystinosis (example: Dogan_2016). These data indicate that the variant is very likely to be associated with disease. The following publication has been ascertained in the context of this evaluation (PMID: 27269891). ClinVar contains an entry for this variant (Variation ID: 553330). Based on the evidence outlined above, the variant was classified as pathogenic.

Natera, Inc.
Classification: Pathogenic for Cystinosis. Last evaluated: 2024-10-16. Review status: criteria provided, single submitter. Criteria: Natera Variant Classification Schema (03/2026). Collection method: clinical testing. Allele origin: germline.
Comment: The c.681G>A variant in CTNS is a synonymous variant that does not alter the encoded amino acid at position 227 (p.E227=). This variant is rare in the general population with a frequency below the threshold expected for the associated phenotype(s). This variant has been observed in one or more individuals affected with the associated recessive disease, as either homozygous or compound heterozygous with a second variant (PMID: 28983406). Computational prediction algorithms indicate this variant is likely to affect gene or protein function. Given the available evidence, this variant is classified as Pathogenic.

Dubai Health Genomic Medicine Center, Dubai Health
Classification: Pathogenic for Cystinosis. Last evaluated: 2024-10-04. Review status: criteria provided, single submitter. Criteria: ACMG Guidelines, 2015. Collection method: research. Allele origin: germline. Affected: yes.
Comment: PS3,PP1,PM2,PM3(strong)

CeGaT Center for Human Genetics Tuebingen
Classification: Pathogenic. Last evaluated: 2024-04-01. Review status: criteria provided, single submitter. Criteria: CeGaT Center For Human Genetics Tuebingen Variant Classification Criteria Version 2. Collection method: clinical testing. Allele origin: germline. Affected: yes. Observed: 3 variant alleles.
Comment: CTNS: PVS1, PM3:Strong, PM2, PP4:Moderate

Labcorp Genetics (formerly Invitae), Labcorp
Classification: Pathogenic for Inborn genetic diseases; Ocular cystinosis; Juvenile nephropathic cystinosis. Last evaluated: 2024-02-08. Review status: criteria provided, single submitter. Criteria: Invitae Variant Classification Sherloc (09022015). Collection method: clinical testing. Allele origin: germline.
Comment: This sequence change affects codon 227 of the CTNS mRNA. It is a 'silent' change, meaning that it does not change the encoded amino acid sequence of the CTNS protein. RNA analysis indicates that this variant induces altered splicing and may result in an absent or disrupted protein product. This variant is not present in population databases (gnomAD no frequency). This variant has been observed in individuals with cystinosis (PMID: 19852576, 21786142). It has also been observed to segregate with disease in related individuals. ClinVar contains an entry for this variant (Variation ID: 553330). Variants that disrupt the consensus splice site are a relatively common cause of aberrant splicing (PMID: 17576681, 9536098). Studies have shown that this variant results in activation of a cryptic splice site and introduces a premature termination codon (PMID: 19852576). The resulting mRNA is expected to undergo nonsense-mediated decay. For these reasons, this variant has been classified as Pathogenic.

Fulgent Genetics
Classification: Pathogenic for Ocular cystinosis; Nephropathic cystinosis; Juvenile nephropathic cystinosis. Last evaluated: 2024-01-29. Review status: criteria provided, single submitter. Criteria: ACMG Guidelines, 2015. Collection method: clinical testing. Allele origin: germline.

Baylor Genetics
Classification: Pathogenic for Nephropathic cystinosis. Last evaluated: 2023-09-25. Review status: criteria provided, single submitter. Criteria: ACMG Guidelines, 2015. Collection method: clinical testing. Allele origin: unknown.

Cellular and Molecular Research Center, Cellular and Molecular Medicine Research Institute,, Urmia University of Medical Sciences
Classification: Pathogenic for Nephropathic cystinosis. Last evaluated: 2023-09-04. Review status: criteria provided, single submitter. Criteria: ACMG Guidelines, 2015. Collection method: clinical testing. Allele origin: inherited. Inheritance: Autosomal recessive inheritance. Affected: yes.
Comment: In-Silico PredictorsPP3: Pathogenic Strong

3billion
Classification: Pathogenic for Nephropathic cystinosis. Last evaluated: 2023-02-23. Review status: criteria provided, single submitter. Criteria: ACMG Guidelines, 2015. Collection method: clinical testing. Allele origin: unknown. Affected: yes.
Comment: The variant is not observed in the gnomAD v2.1.1 dataset. Functional studies provide supporting evidence of the variant having a damaging effect on the gene or gene product (PMID: 19852576). In silico tools predict the variant to alter splicing and produce an abnormal transcript (SpliceAI: 0.80). The variant has been observed in multiple (>3) similarly affected unrelated individuals (PMID: 23640116 / 19852576‚Äö21786142). The variant has been reported at least twice as pathogenic without evidence for the classification (ClinVar ID: VCV000553330). Therefore, this variant is classified as Pathogenic according to the recommendation of ACMG/AMP guideline.

Institute of Medical Genetics and Applied Genomics, University Hospital Tübingen
Classification: Pathogenic. Last evaluated: 2021-06-17. Review status: criteria provided, single submitter. Criteria: ACMG Guidelines, 2015. Collection method: clinical testing. Allele origin: germline. Inheritance: Autosomal recessive inheritance. Affected: yes.

Counsyl
Classification: Pathogenic for Nephropathic cystinosis. Last evaluated: 2017-08-15. Review status: no assertion criteria provided. Collection method: clinical testing. Allele origin: unknown. Not counted in ClinVar's aggregate classification.

Literature cited by the submitters: PubMed 27269891 (cited by Women's Health and Genetics/Laboratory Corporation of America, LabCorp); PubMed 28983406 (cited by Natera, Inc.); PubMed 19852576 (cited by 3 submitters); PubMed 21786142 (cited by Labcorp Genetics (formerly Invitae), Labcorp and Counsyl); PubMed 17576681 (cited by Labcorp Genetics (formerly Invitae), Labcorp); PubMed 9536098 (cited by Labcorp Genetics (formerly Invitae), Labcorp); PubMed 23640116 (cited by 3billion and Counsyl); PubMed 12442267 (cited by Counsyl).

NM_004937.3(CTNS):c.681G>A (p.Glu227=)

Genes: CTNS (cystinosin, lysosomal cystine transporter; plus strand), CTNS-AS1 (CTNS antisense RNA 1; minus strand). Cytogenetic location: 17p13.2.
Variant type: single nucleotide variant.
Coding change: c.681G>A on transcript NM_004937.3 (MANE Select); coding-DNA position 681, G replaced by A.
Protein change: p.Glu227=; no amino-acid change (glutamic acid 227 retained).
Molecular consequence: synonymous variant.
Genome position (GRCh38, 1-based): chr17:3,656,795, G>A. VCF-style: chr17-3656795-G-A. GRCh37 (hg19) VCF-style: chr17-3560089-G-A.
Other names: p.Glu227=; c.681G>A, p.Glu227= (NM_001031681.3, NM_001374492.1); c.240G>A, p.Glu80= (NM_001374493.1, NM_001374494.1, NM_001374495.1 and 1 more transcripts).
Identifiers: ClinVar variation 553330 (VCV000553330.40), dbSNP rs778414542, ClinGen allele CA497462207.